The following is an entry in ClinVar:

NM_001127208.3(TET2):c.2919C>G (p.Cys973Trp)

Genes: TET2 (tet methylcytosine dioxygenase 2; plus strand), TET2-AS1 (TET2 antisense RNA 1; minus strand). Cytogenetic location: 4q24.
Variant type: single nucleotide variant.
Coding change: c.2919C>G on transcript NM_001127208.3 (MANE Select); coding-DNA position 2919, C replaced by G.
Protein change: p.Cys973Trp; replaces cysteine 973 with tryptophan.
Molecular consequence: missense variant.
Genome position (GRCh38, 1-based): chr4:105,236,861, C>G. VCF-style: chr4-105236861-C-G. GRCh37 (hg19) VCF-style: chr4-106158018-C-G.
Other names: c.2919C>G, p.Cys973Trp (NM_017628.4); short protein forms C973W.
Identifiers: ClinVar variation 3455310 (VCV003455310.1).

ClinVar aggregate classification (germline): Uncertain significance (1 of 4 stars; one submission).

gnomAD v4.1: 1 of 1,614,130 alleles (0.000062%); no homozygotes.

Submission:

Ambry Genetics
Classification: Uncertain significance. Last evaluated: 2024-11-21. Review status: criteria provided, single submitter. Criteria: Ambry Variant Classification Scheme 2023. Collection method: clinical testing. Allele origin: germline.
Comment: The p.C973W variant (also known as c.2919C>G), located in coding exon 1 of the TET2 gene, results from a C to G substitution at nucleotide position 2919. The cysteine at codon 973 is replaced by tryptophan, an amino acid with highly dissimilar properties. This amino acid position is conserved. In addition, this alteration is predicted to be tolerated by in silico analysis. Based on the available evidence, the clinical significance of this variant remains unclear.